The following is an entry in ClinVar:

NM_014738.6(TMEM94):c.4003C>T (p.Arg1335Ter)

Gene: TMEM94 (transmembrane protein 94; plus strand). Cytogenetic location: 17q25.1.
Variant type: single nucleotide variant.
Coding change: c.4003C>T on transcript NM_014738.6 (MANE Select); coding-DNA position 4003, C replaced by T.
Protein change: p.Arg1335Ter; replaces arginine 1335 with a stop codon.
Molecular consequence: nonsense.
Genome position (GRCh38, 1-based): chr17:75,499,266, C>T. VCF-style: chr17-75499266-C-T. GRCh37 (hg19) VCF-style: chr17-73495347-C-T.
Other names: c.4033C>T, p.Arg1345Ter (NM_001321148.2); c.4015C>T, p.Arg1339Ter (NM_001321149.2); c.3955C>T, p.Arg1319Ter (NM_001351202.2); c.4030C>T, p.Arg1344Ter (NM_001351203.2); short protein forms R1319*, R1335*, R1339*, R1344*, R1345*.
Identifiers: ClinVar variation 3906612 (VCV003906612.1).

ClinVar aggregate classification (germline): Uncertain significance (1 of 4 stars; one submission).

Submission:

GeneDx
Classification: Uncertain significance. Last evaluated: 2024-12-20. Review status: criteria provided, single submitter. Criteria: GeneDx Variant Classification Process June 2021. Collection method: clinical testing. Allele origin: germline. Affected: yes.
Comment: Nonsense variant predicted to result in protein truncation as the last 22 amino acids are lost with an unclear effect on protein function; Has not been previously published as pathogenic or benign to our knowledge